The following is an entry in ClinVar:

NM_022828.5(YTHDC2):c.1951G>C (p.Asp651His)

Gene: YTHDC2 (YTH N6-methyladenosine RNA binding protein C2; plus strand). Cytogenetic location: 5q22.2.
Variant type: single nucleotide variant.
Coding change: c.1951G>C on transcript NM_022828.5 (MANE Select); coding-DNA position 1951, G replaced by C.
Protein change: p.Asp651His; replaces aspartic acid 651 with histidine.
Molecular consequence: missense variant.
Genome position (GRCh38, 1-based): chr5:113,553,673, G>C. VCF-style: chr5-113553673-G-C. GRCh37 (hg19) VCF-style: chr5-112889370-G-C.
Other names: c.1465G>C, p.Asp489His (NM_001345975.2); c.1051G>C, p.Asp351His (NM_001345976.2); short protein forms D351H, D489H, D651H.
Identifiers: ClinVar variation 3060554 (VCV003060554.2), dbSNP rs75714066, ClinGen allele CA3371982.
Genomic context (GRCh38, chr5:113,553,673, plus strand): 5'-GGATATGACGAAATTGTTGGACTGAGAGATCGCATCCTGTTTGATGACAAGCGGTTTGCT[G>C]ACAGTACACATAGGTAAGGGCTAAAGCCTTATATCTGTTGCTTAAAATAACGGACAGGTC-3'
Protein context (NP_073739.3, residues 641-661): RILFDDKRFA[Asp651His]STHRYQVFML

ClinVar aggregate classification (germline): Benign (0 of 4 stars; one submission).

Conditions:
YTHDC2-related disorder. Also called: YTHDC2-related condition.

Allele frequency attached by ClinVar (database versions not stated): TOPMed 0.04918; gnomAD 0.05061; 1000 Genomes Project 30x 0.05075; ESP Exome Variant Server 0.05198; 1000 Genomes Project 0.05511; ExAC 0.06421.
gnomAD v4.1: 105,876 of 1,613,390 alleles (6.6%); highest among the groups gnomAD compares: Middle Eastern, 12%; 3,840 homozygotes.

Submission:

PreventionGenetics, part of Exact Sciences
Classification: Benign for YTHDC2-related condition. Last evaluated: 2019-06-17. Review status: no assertion criteria provided. Collection method: clinical testing. Allele origin: germline.
Comment: This variant is classified as benign based on ACMG/AMP sequence variant interpretation guidelines (Richards et al. 2015 PMID: 25741868, with internal and published modifications).